The following is an entry in ClinVar:

ClinVar aggregate classification (germline): Uncertain significance. Review status: criteria provided, multiple submitters, no conflicts (2 of 4 stars). 2 submissions from 2 submitters: Uncertain significance (2). Last evaluated 2024-03-07.

Conditions:
Lethal congenital glycogen storage disease of heart. Also called: GLYCOGEN STORAGE DISEASE OF HEART; PHOSPHORYLASE KINASE DEFICIENCY OF HEART. Identifiers: Orphanet 439854, MedGen C1849813, MONDO:0009867, OMIM 261740.
Cardiomyopathy (CMYO). Also called: Cardiomyopathies. Identifiers: Orphanet 167848, MedGen C0878544, MONDO:0004994, HP:0001638. Inheritance: Various modes of inheritance.

Submissions (2):

Color Diagnostics, LLC DBA Color Health
Classification: Uncertain significance for Cardiomyopathy. Last evaluated: 2024-03-07. Review status: criteria provided, single submitter. Criteria: ACMG Guidelines, 2015. Collection method: clinical testing. Allele origin: germline.
Comment: This missense variant replaces threonine with alanine at codon 221 of the PRKAG2 protein. Computational prediction suggests that this variant may not impact protein structure and function (internally defined REVEL score threshold <= 0.5, PMID: 27666373). Splice site prediction tools suggest that this variant may not impact RNA splicing. To our knowledge, functional studies have not been performed for this variant. This variant has not been reported in individuals affected with cardiovascular disorders in the literature. This variant has not been identified in the general population by the Genome Aggregation Database (gnomAD). The available evidence is insufficient to determine the role of this variant in disease conclusively. Therefore, this variant is classified as a Variant of Uncertain Significance.

Labcorp Genetics (formerly Invitae), Labcorp
Classification: Uncertain significance for Lethal congenital glycogen storage disease of heart. Last evaluated: 2022-11-11. Review status: criteria provided, single submitter. Criteria: Invitae Variant Classification Sherloc (09022015). Collection method: clinical testing. Allele origin: germline.
Comment: This sequence change replaces threonine, which is neutral and polar, with alanine, which is neutral and non-polar, at codon 221 of the PRKAG2 protein (p.Thr221Ala). This variant is not present in population databases (gnomAD no frequency). This variant has not been reported in the literature in individuals affected with PRKAG2-related conditions. ClinVar contains an entry for this variant (Variation ID: 924574). Advanced modeling of protein sequence and biophysical properties (such as structural, functional, and spatial information, amino acid conservation, physicochemical variation, residue mobility, and thermodynamic stability) performed at Invitae indicates that this missense variant is not expected to disrupt PRKAG2 protein function. In summary, the available evidence is currently insufficient to determine the role of this variant in disease. Therefore, it has been classified as a Variant of Uncertain Significance.

NM_016203.4(PRKAG2):c.661A>G (p.Thr221Ala)

Gene: PRKAG2 (protein kinase AMP-activated non-catalytic subunit gamma 2; minus strand). Cytogenetic location: 7q36.1.
Variant type: single nucleotide variant.
Coding change: c.661A>G on transcript NM_016203.4 (MANE Select); coding-DNA position 661, A replaced by G.
Protein change: p.Thr221Ala; replaces threonine 221 with alanine.
Molecular consequence: missense variant.
Genome position (GRCh38, 1-based): chr7:151,675,443, T>C on the plus strand (A>G on the coding strand, the complement: PRKAG2 is on the minus strand). VCF-style: chr7-151675443-T-C. GRCh37 (hg19) VCF-style: chr7-151372529-T-C.
Other names: c.529A>G, p.Thr177Ala (NM_001040633.2); c.289A>G, p.Thr97Ala (NM_001304527.2, NM_001363698.2); short protein forms T221A, T97A, T177A.
Identifiers: ClinVar variation 924574 (VCV000924574.7), dbSNP rs1832761436, ClinGen allele CA370186981.
Genomic context (GRCh38, chr7:151,675,443, plus strand): 5'-ACCCGGCAGCCCCACCCACAGAAGGGCCCAGACTTACGGCTTTGGAGGGAGCATAGTGTG[T>C]CGGTGATGCCAGTGGAGGCCTGGTCGGGCTCTGGAAGGAAGACGGGCAGAACCTCTGCCC-3'
Protein context (NP_057287.2, residues 211-231): SPTRPPLASP[Thr221Ala]HYAPSKAAAL